The following is an entry in ClinVar:

ClinVar aggregate classification (germline): Likely benign. Review status: criteria provided, single submitter (1 of 4 stars). 2 submissions from 2 submitters: Likely benign (1). 1 of the submissions does not count toward it.

Conditions:
XPA-related disorder. Also called: XPA-related condition.

Allele frequency attached by ClinVar (database versions not stated): ExAC 0.00006; ESP Exome Variant Server 0.00009; gnomAD 0.00019; 1000 Genomes Project 0.00020; TOPMed 0.00022; 1000 Genomes Project 30x 0.00031.
gnomAD v4.1: 52 of 1,597,476 alleles (0.0033%); highest among the groups gnomAD compares: African/African-American, 0.065%; no homozygotes.

Submissions (2):

Breakthrough Genomics
Classification: Likely benign. Review status: criteria provided, single submitter. Criteria: ACMG Guidelines, 2015. Collection method: not provided. Allele origin: germline. Inheritance: Autosomal recessive inheritance. Affected: yes.

PreventionGenetics, part of Exact Sciences
Classification: Likely benign for XPA-related condition. Last evaluated: 2020-01-28. Review status: no assertion criteria provided. Collection method: clinical testing. Allele origin: germline. Not counted in ClinVar's aggregate classification.
Comment: This variant is classified as likely benign based on ACMG/AMP sequence variant interpretation guidelines (Richards et al. 2015 PMID: 25741868, with internal and published modifications).

NM_000380.4(XPA):c.-5C>T

Gene: XPA (XPA, DNA damage recognition and repair factor; minus strand). Cytogenetic location: 9q22.33.
Variant type: single nucleotide variant.
Coding change: c.-5C>T on transcript NM_000380.4 (MANE Select); 5 bases upstream of the start codon, C replaced by T.
Molecular consequence: 5 prime UTR variant. On other transcripts: non-coding transcript variant (5).
Genome position (GRCh38, 1-based): chr9:97,697,297, G>A on the plus strand (C>T on the coding strand, the complement: XPA is on the minus strand). VCF-style: chr9-97697297-G-A. GRCh37 (hg19) VCF-style: chr9-100459579-G-A.
Other names: c.-1154C>T (NM_001354975.2).
Identifiers: ClinVar variation 3050951 (VCV003050951.3), dbSNP rs202078294, ClinGen allele CA5148955.
Genomic context (GRCh38, chr9:97,697,297, plus strand): 5'-TCCGCGGGTTGCTCTAAAGCCGCCGCCTCCGGCAAAGCCCCGTCGGCCGCCGCCATCTCT[G>A]GCCCACTCCGAGGACCTAGCTCCCAGCTCCACGCACGCGCACTGCACGCCGAGGCGAGCC-3'